The following is an entry in ClinVar:

ClinVar aggregate classification (germline): Uncertain significance (1 of 4 stars; one submission).

Conditions:
Epilepsy, X-linked 1, with variable learning disabilities and behavior disorders. Also called: X-linked epilepsy-learning disabilities-behavior disorders syndrome. Identifiers: Orphanet 85294, MedGen C5774177, MONDO:0010339, OMIM 300491.

gnomAD v4.1: 2 of 1,191,464 alleles (0.00017%); highest among the groups gnomAD compares: Non-Finnish European, 0.00022%; no homozygotes.

Submission:

Labcorp Genetics (formerly Invitae), Labcorp
Classification: Uncertain significance for Epilepsy, X-linked 1, with variable learning disabilities and behavior disorders. Last evaluated: 2024-08-13. Review status: criteria provided, single submitter. Criteria: Invitae Variant Classification Sherloc (09022015). Collection method: clinical testing. Allele origin: germline.
Comment: This sequence change replaces glycine, which is neutral and non-polar, with serine, which is neutral and polar, at codon 100 of the SYN1 protein (p.Gly100Ser). This variant is present in population databases (no rsID available, gnomAD 0.001%). This variant has not been reported in the literature in individuals affected with SYN1-related conditions. An algorithm developed to predict the effect of missense changes on protein structure and function (PolyPhen-2) suggests that this variant is likely to be disruptive. Algorithms developed to predict the effect of sequence changes on RNA splicing suggest that this variant may create or strengthen a splice site. In summary, the available evidence is currently insufficient to determine the role of this variant in disease. Therefore, it has been classified as a Variant of Uncertain Significance.

NM_006950.3(SYN1):c.298G>A (p.Gly100Ser)

Gene: SYN1 (synapsin I; minus strand). Cytogenetic location: Xp11.23.
Variant type: single nucleotide variant.
Coding change: c.298G>A on transcript NM_006950.3 (MANE Select); coding-DNA position 298, G replaced by A.
Protein change: p.Gly100Ser; replaces glycine 100 with serine.
Molecular consequence: missense variant.
Genome position (GRCh38, 1-based): chrX:47,619,431, C>T on the plus strand (G>A on the coding strand, the complement: SYN1 is on the minus strand). VCF-style: chrX-47619431-C-T. GRCh37 (hg19) VCF-style: chrX-47478830-C-T.
Other names: c.298G>A, p.Gly100Ser (NM_133499.2); short protein forms G100S.
Identifiers: ClinVar variation 3715317 (VCV003715317.2).